The following is an entry in ClinVar:

ClinVar aggregate classification (germline): Uncertain significance (1 of 4 stars; one submission).

Conditions:
Ullrich congenital muscular dystrophy 2 (UCMD2). Identifiers: Orphanet 75840, MedGen C4225314, MONDO:0014654, OMIM 616470.
Bethlem myopathy 2 (BTHLM2). Identifiers: Orphanet 536516, Orphanet 610, MedGen C4225313, MONDO:0034022, OMIM 616471.

Submission:

Labcorp Genetics (formerly Invitae), Labcorp
Classification: Uncertain significance for Bethlem myopathy 2; Ullrich congenital muscular dystrophy 2. Last evaluated: 2023-09-10. Review status: criteria provided, single submitter. Criteria: Invitae Variant Classification Sherloc (09022015). Collection method: clinical testing. Allele origin: germline.
Comment: In summary, the available evidence is currently insufficient to determine the role of this variant in disease. Therefore, it has been classified as a Variant of Uncertain Significance. Algorithms developed to predict the effect of sequence changes on RNA splicing suggest that this variant may disrupt the consensus splice site. Advanced modeling of protein sequence and biophysical properties (such as structural, functional, and spatial information, amino acid conservation, physicochemical variation, residue mobility, and thermodynamic stability) has been performed at Invitae for this missense variant, however the output from this modeling did not meet the statistical confidence thresholds required to predict the impact of this variant on COL12A1 protein function. This variant has not been reported in the literature in individuals affected with COL12A1-related conditions. This variant is not present in population databases (gnomAD no frequency). This sequence change replaces glycine, which is neutral and non-polar, with arginine, which is basic and polar, at codon 2747 of the COL12A1 protein (p.Gly2747Arg).

NM_004370.6(COL12A1):c.8239G>A (p.Gly2747Arg)

Gene: COL12A1 (collagen type XII alpha 1 chain; minus strand). Cytogenetic location: 6q13.
Variant type: single nucleotide variant.
Coding change: c.8239G>A on transcript NM_004370.6 (MANE Select); coding-DNA position 8239, G replaced by A.
Protein change: p.Gly2747Arg; replaces glycine 2747 with arginine.
Molecular consequence: missense variant.
Genome position (GRCh38, 1-based): chr6:75,105,232, C>T on the plus strand (G>A on the coding strand, the complement: COL12A1 is on the minus strand). VCF-style: chr6-75105232-C-T. GRCh37 (hg19) VCF-style: chr6-75814948-C-T.
Other names: c.8239G>A, p.Gly2747Arg (NM_001424113.1); c.8218G>A, p.Gly2740Arg (NM_001424114.1); c.7966G>A, p.Gly2656Arg (NM_001424115.1); c.4747G>A, p.Gly1583Arg (NM_001424116.1, NM_080645.3); short protein forms G2740R, G2747R, G1583R, G2656R.
Identifiers: ClinVar variation 2951842 (VCV002951842.3), dbSNP rs2533119240, ClinGen allele CA364740424.